The following is an entry in ClinVar:

NM_007294.4(BRCA1):c.1694A>C (p.Glu565Ala)

Gene: BRCA1 (BRCA1 DNA repair associated; minus strand). Cytogenetic location: 17q21.31.
Variant type: single nucleotide variant.
Coding change: c.1694A>C on transcript NM_007294.4 (MANE Select); coding-DNA position 1694, A replaced by C.
Protein change: p.Glu565Ala; replaces glutamic acid 565 with alanine.
Molecular consequence: missense variant. On other transcripts: intron variant (137).
Genome position (GRCh38, 1-based): chr17:43,093,837, T>G on the plus strand (A>C on the coding strand, the complement: BRCA1 is on the minus strand). VCF-style: chr17-43093837-T-G. GRCh37 (hg19) VCF-style: chr17-41245854-T-G.
Other names: c.1571A>C, p.Glu524Ala (NM_001407669.1, NM_001407674.1, NM_001407675.1 and 19 more transcripts); c.1568A>C, p.Glu523Ala (NM_001407670.1, NM_001407671.1, NM_001407672.1 and 11 more transcripts); c.1553A>C, p.Glu518Ala (NM_001407692.1, NM_001407694.1, NM_001407695.1 and 29 more transcripts); c.1550A>C, p.Glu517Ala (NM_001407740.1, NM_001407741.1, NM_001407838.1 and 20 more transcripts); c.1691A>C, p.Glu564Ala (NM_001407860.1, NM_001407861.1, NM_001407587.1 and 22 more transcripts); c.1493A>C, p.Glu498Ala (NM_001407862.1); c.1490A>C, p.Glu497Ala (NM_001407874.1, NM_001407875.1); c.1484A>C, p.Glu495Ala (NM_001407879.1, NM_001407881.1, NM_001407882.1 and 13 more transcripts); and 40 more; short protein forms E269A, E495A, E497A, E538A, E539A, E565A, E437A, E453A.
Identifiers: ClinVar variation 1778192 (VCV001778192.10), dbSNP rs2053899114, ClinGen allele CA10598642.
Genomic context (GRCh38, chr17:43,093,837, plus strand): 5'-TCAGCTTTCGTTTTGAAAGCAGATTCTTTTTCGAGTGATTCTATTGGGTTAGGATTTTTC[T>G]CATTCTGAATAGAATCACCTTTTGTTTTATTCTCATGACCACTATTAGTAATATTCATCA-3'
Protein context (NP_009225.1, residues 555-575): NKTKGDSIQN[Glu565Ala]KNPNPIESLE

ClinVar aggregate classification (germline): Conflicting classifications of pathogenicity. Review status: criteria provided, conflicting classifications (1 of 4 stars). 4 submissions from 4 submitters: Uncertain significance (3); Likely benign (1). Last evaluated 2025-08-22.

Conditions:
Hereditary breast ovarian cancer syndrome. Also called: Hereditary breast and ovarian cancer syndrome; Hereditary breast and ovarian cancer; Hereditary breast and ovarian cancer syndrome (HBOC); Breast and ovarian cancer; Hereditary breast and/or ovarian cancer syndrome; BRCA1- and BRCA2-Associated Hereditary Breast and Ovarian Cancer. Identifiers: Orphanet 145, MedGen C0677776, MeSH D061325, MONDO:0003582. Disease mechanism: loss of function.
Breast-ovarian cancer, familial, susceptibility to, 1 (BROVCA1). Also called: OVARIAN CANCER, SUSCEPTIBILITY TO; BRCA1 Hereditary Breast and Ovarian Cancer. Identifiers: Orphanet 145, MedGen C2676676, MONDO:0011450, OMIM 604370. Disease mechanism: loss of function.
Hereditary cancer-predisposing syndrome. Also called: Neoplastic Syndromes, Hereditary; Tumor predisposition; Hereditary neoplastic syndrome; Hereditary Cancer Syndrome. Identifiers: Orphanet 140162, MedGen C0027672, MeSH D009386, MONDO:0015356.

Allele frequency attached by ClinVar (database versions not stated): TOPMed below 0.00001.

Submissions (4):

Ambry Genetics
Classification: Uncertain significance for Hereditary cancer-predisposing syndrome. Last evaluated: 2025-08-22. Review status: criteria provided, single submitter. Criteria: Ambry Variant Classification Scheme 2023. Collection method: clinical testing. Allele origin: germline.
Comment: The p.E565A variant (also known as c.1694A>C), located in coding exon 9 of the BRCA1 gene, results from an A to C substitution at nucleotide position 1694. The glutamic acid at codon 565 is replaced by alanine, an amino acid with dissimilar properties. This amino acid position is not well conserved in available vertebrate species. In addition, this alteration is predicted to be deleterious by in silico analysis. Since supporting evidence is limited at this time, the clinical significance of this alteration remains unclear.

All of Us Research Program, National Institutes of Health
Classification: Uncertain significance for Breast-ovarian cancer, familial, susceptibility to, 1. Last evaluated: 2023-08-28. Review status: criteria provided, single submitter. Criteria: ACMG Guidelines, 2015. Collection method: clinical testing. Allele origin: germline. Inheritance: Autosomal dominant inheritance. Observed: 1 variant allele, 1 heterozygote.
Comment: This missense variant replaces glutamic acid with alanine at codon 565 of the BRCA1 protein. Computational prediction suggests that this variant may not impact protein structure and function (internally defined REVEL score threshold <= 0.5, PMID: 27666373). To our knowledge, functional studies have not been reported for this variant. This variant has not been reported in individuals affected with BRCA1-related disorders in the literature. This variant has not been identified in the general population by the Genome Aggregation Database (gnomAD). The available evidence is insufficient to determine the role of this variant in disease conclusively. Therefore, this variant is classified as a Variant of Uncertain Significance.

This study involves interpretation of variants in research participants for the purpose of population health screening. Participant phenotype was not available at the time of variant classification. Additional details can be found in publication PMID: 35346344, PMCID: PMC8962531

Labcorp Genetics (formerly Invitae), Labcorp
Classification: Uncertain significance for Hereditary breast ovarian cancer syndrome. Last evaluated: 2023-05-23. Review status: criteria provided, single submitter. Criteria: Invitae Variant Classification Sherloc (09022015). Collection method: clinical testing. Allele origin: germline.
Comment: In summary, the available evidence is currently insufficient to determine the role of this variant in disease. Therefore, it has been classified as a Variant of Uncertain Significance. Advanced modeling of protein sequence and biophysical properties (such as structural, functional, and spatial information, amino acid conservation, physicochemical variation, residue mobility, and thermodynamic stability) performed at Invitae indicates that this missense variant is not expected to disrupt BRCA1 protein function. ClinVar contains an entry for this variant (Variation ID: 1778192). This variant has not been reported in the literature in individuals affected with BRCA1-related conditions. This variant is not present in population databases (gnomAD no frequency). This sequence change replaces glutamic acid, which is acidic and polar, with alanine, which is neutral and non-polar, at codon 565 of the BRCA1 protein (p.Glu565Ala).

University of Washington Department of Laboratory Medicine, University of Washington
Classification: Likely benign for Hereditary cancer-predisposing syndrome. Last evaluated: 2023-03-23. Review status: criteria provided, single submitter. Criteria: Dines et al. (Genet Med. 2020). Collection method: curation. Allele origin: germline.
Comment: Missense variant in a coldspot region where missense variants are very unlikely to be pathogenic (PMID:31911673).

BRCA1 coldspot (exon 11 using historical exon numbering). Reclassification based on statistical prior probability